The following is an entry in ClinVar:

ClinVar aggregate classification (germline): Pathogenic/Likely pathogenic. Review status: criteria provided, multiple submitters, no conflicts (2 of 4 stars). 4 submissions from 4 submitters: Pathogenic (3); Likely pathogenic (1). Last evaluated 2026-03-09.

Conditions:
DNAH11-related disorder. Also called: DNAH11-related condition.
Primary ciliary dyskinesia. Also called: Ciliary dyskinesia. Identifiers: Orphanet 244, MedGen C0008780, MONDO:0016575, HP:0012265.
Primary ciliary dyskinesia 7. Also called: CILIARY DYSKINESIA, PRIMARY, 7, WITH OR WITHOUT SITUS INVERSUS. Identifiers: Orphanet 244, MedGen C2678473, MONDO:0012748, OMIM 611884.

Allele frequency attached by ClinVar (database versions not stated): TOPMed 0.00001; gnomAD 0.00002.
gnomAD v4.1: 5 of 1,553,936 alleles (0.00032%); highest among the groups gnomAD compares: South Asian, 0.0012%; no homozygotes.

Submissions (4):

PreventionGenetics, part of Exact Sciences
Classification: Pathogenic for DNAH11-related condition. Last evaluated: 2026-03-09. Review status: criteria provided, single submitter. Criteria: ACMG Guidelines, 2015. Collection method: clinical testing. Allele origin: germline.
Comment: The DNAH11 c.2965C>T variant is predicted to result in premature protein termination (p.Arg989*). This variant, along with another DNAH11 variant, has been reported in an individual with primary ciliary dyskinesia and situs inversus (Table S6, Boon et al. 2014. PubMed ID: 24450482). This variant has not been reported in a large population database (gnomAD), indicating this variant is rare. Nonsense variants in DNAH11 are expected to be pathogenic. This variant is interpreted as pathogenic.

Broad Center for Mendelian Genomics, Broad Institute of MIT and Harvard
Classification: Likely pathogenic for Primary ciliary dyskinesia 7. Last evaluated: 2025-02-11. Review status: criteria provided, single submitter. Criteria: ACMG Guidelines, 2015. Collection method: curation. Allele origin: germline. Inheritance: Autosomal recessive inheritance.
Comment: The p.Arg989Ter variant in DNAH11 has been reported in 1 individual with primary ciliary dyskinesia (PMID: 24450482), and has been identified in 0.001% (1/80930) of South Asian chromosomes by the Genome Aggregation Database (gnomAD; dbSNP rs753010997). Although this variant has been seen in the general population in a heterozygous state, its frequency is low enough to be consistent with a recessive carrier frequency. This variant has also been reported in ClinVar (Variation ID: 1798212) and has been interpreted as pathogenic by Invitae and Ambry Genetics. This nonsense variant leads to a premature termination codon at position 989, which is predicted to lead to a truncated or absent protein. Loss of function of the DNAH11 gene is an established disease mechanism in autosomal recessive primary ciliary dyskinesia. In summary, although additional studies are required to fully establish its clinical significance, this variant is likely pathogenic for autosomal recessive primary ciliary dyskinesia. ACMG/AMP Criteria applied: PVS1, PM2_supporting (Richards 2015).

Labcorp Genetics (formerly Invitae), Labcorp
Classification: Pathogenic for Primary ciliary dyskinesia. Last evaluated: 2023-04-03. Review status: criteria provided, single submitter. Criteria: Invitae Variant Classification Sherloc (09022015). Collection method: clinical testing. Allele origin: germline.
Comment: For these reasons, this variant has been classified as Pathogenic. ClinVar contains an entry for this variant (Variation ID: 1798212). This premature translational stop signal has been observed in individual(s) with primary ciliary dyskinesia (PMID: 24450482). This variant is not present in population databases (gnomAD no frequency). This sequence change creates a premature translational stop signal (p.Arg989*) in the DNAH11 gene. It is expected to result in an absent or disrupted protein product. Loss-of-function variants in DNAH11 are known to be pathogenic (PMID: 18022865, 20513915, 22184204).

Ambry Genetics
Classification: Pathogenic for Primary ciliary dyskinesia. Last evaluated: 2016-07-26. Review status: criteria provided, single submitter. Criteria: Ambry Variant Classification Scheme 2023. Collection method: clinical testing. Allele origin: germline.
Comment: The p.R989* pathogenic mutation (also known as c.2965C>T), located in coding exon 15 of the DNAH11 gene, results from a C to T substitution at nucleotide position 2965. This changes the amino acid from an arginine to a stop codon within coding exon 15. This mutation has been reported in an individual with primary ciliary dyskenesia (Boon M et al. Orphanet J Rare Dis, 2014 Jan;9:11). In addition to the clinical data presented in the literature, this alteration is expected to result in loss of function by premature protein truncation or nonsense-mediated mRNA decay. As such, this alteration is interpreted as a disease-causing mutation.

Literature cited by the submitters: PubMed 24450482 (cited by Labcorp Genetics (formerly Invitae), Labcorp and Ambry Genetics); PubMed 18022865 (cited by Labcorp Genetics (formerly Invitae), Labcorp); PubMed 20513915 (cited by Labcorp Genetics (formerly Invitae), Labcorp); PubMed 22184204 (cited by Labcorp Genetics (formerly Invitae), Labcorp).

NM_001277115.2(DNAH11):c.2965C>T (p.Arg989Ter)

Genes: DNAH11 (dynein axonemal heavy chain 11; plus strand), LOC126859961 (BRD4-independent group 4 enhancer GRCh37_chr7:21639662-21640861; plus strand). Cytogenetic location: 7p15.3.
Variant type: single nucleotide variant.
Coding change: c.2965C>T on transcript NM_001277115.2 (MANE Select); coding-DNA position 2965, C replaced by T.
Protein change: p.Arg989Ter; replaces arginine 989 with a stop codon.
Molecular consequence: nonsense.
Genome position (GRCh38, 1-based): chr7:21,600,084, C>T. VCF-style: chr7-21600084-C-T. GRCh37 (hg19) VCF-style: chr7-21639702-C-T.
Other names: NM_001277115.2(DNAH11):c.2965C>T; p.Arg989Ter; c.2965C>T, p.Arg989Ter (NM_003777.3); short protein forms R989*.
Identifiers: ClinVar variation 1798212 (VCV001798212.7), dbSNP rs753010997, ClinGen allele CA366944800.